The following is an entry in ClinVar:

ClinVar aggregate classification (germline): Uncertain significance. Review status: criteria provided, multiple submitters, no conflicts (2 of 4 stars). 2 submissions from 2 submitters: Uncertain significance (2). Last evaluated 2024-07-31.

Conditions:
Inborn genetic diseases. Identifiers: MedGen C0950123, MeSH D030342.

Allele frequency attached by ClinVar (database versions not stated): gnomAD 0.00002; TOPMed 0.00002; gnomAD exomes 0.00006; ExAC 0.00013.
gnomAD v4.1: 89 of 1,614,154 alleles (0.0055%); highest among the groups gnomAD compares: South Asian, 0.072%; 3 homozygotes.

Submissions (2):

Ambry Genetics
Classification: Uncertain significance for Inborn genetic diseases. Last evaluated: 2024-07-31. Review status: criteria provided, single submitter. Criteria: Ambry Variant Classification Scheme 2023. Collection method: clinical testing. Allele origin: germline.

Labcorp Genetics (formerly Invitae), Labcorp
Classification: Uncertain significance. Last evaluated: 2022-08-19. Review status: criteria provided, single submitter. Criteria: Invitae Variant Classification Sherloc (09022015). Collection method: clinical testing. Allele origin: germline.
Comment: This sequence change replaces asparagine, which is neutral and polar, with serine, which is neutral and polar, at codon 167 of the MECR protein (p.Asn167Ser). This variant is present in population databases (rs781255539, gnomAD 0.07%). This variant has not been reported in the literature in individuals affected with MECR-related conditions. Algorithms developed to predict the effect of missense changes on protein structure and function are either unavailable or do not agree on the potential impact of this missense change (SIFT: "Deleterious"; PolyPhen-2: "Possibly Damaging"; Align-GVGD: "Class C0"). In summary, the available evidence is currently insufficient to determine the role of this variant in disease. Therefore, it has been classified as a Variant of Uncertain Significance.

NM_016011.5(MECR):c.500A>G (p.Asn167Ser)

Gene: MECR (mitochondrial trans-2-enoyl-CoA reductase; minus strand). Cytogenetic location: 1p35.3.
Variant type: single nucleotide variant.
Coding change: c.500A>G on transcript NM_016011.5 (MANE Select); coding-DNA position 500, A replaced by G.
Protein change: p.Asn167Ser; replaces asparagine 167 with serine.
Molecular consequence: missense variant. On other transcripts: non-coding transcript variant (4).
Genome position (GRCh38, 1-based): chr1:29,206,812, T>C on the plus strand (A>G on the coding strand, the complement: MECR is on the minus strand). VCF-style: chr1-29206812-T-C. GRCh37 (hg19) VCF-style: chr1-29533324-T-C.
Other names: c.272A>G, p.Asn91Ser (NM_001024732.4, NM_001349711.2, NM_001349712.2 and 2 more transcripts); c.605A>G, p.Asn202Ser (NM_001349715.2); c.584A>G, p.Asn195Ser (NM_001349716.2); c.350A>G, p.Asn117Ser (NM_001349717.2); c.500A>G (NM_016011.2); short protein forms N195S, N202S, N117S, N167S, N91S.
Identifiers: ClinVar variation 2143525 (VCV002143525.2), dbSNP rs781255539, ClinGen allele CA725784.